The following is an entry in ClinVar:

ClinVar aggregate classification (germline): Uncertain significance (1 of 4 stars; one submission).

Conditions:
Familial hypercholesterolemia. Also called: Familial hypercholesterolaemia. Identifiers: MedGen C0020445, MONDO:0005439.

Allele frequency attached by ClinVar (database versions not stated): TOPMed below 0.00001.

Submission:

Color Diagnostics, LLC DBA Color Health
Classification: Uncertain significance for Familial hypercholesterolemia. Last evaluated: 2019-02-11. Review status: criteria provided, single submitter. Criteria: ACMG Guidelines, 2015. Collection method: clinical testing. Allele origin: germline.
Comment: Variant of Uncertain Significance due to insufficient evidence: This missense variant (also known as p.Ala16Val in the mature protein) replaces alanine with valine at codon 43 of the APOB protein. Computational prediction tools and conservation analyses are inconclusive regarding the impact of this variant on the protein function. Computational splicing tools suggest that this variant may not impact RNA splicing. To our knowledge, functional assays have not been performed for this variant nor has this variant been reported in individuals affected with familial hypercholesterolemia in the literature. This variant is rare in the general population and has been identified in 0/277264 chromosomes by the Genome Aggregation Database (gnomAD). Available evidence is insufficient to determine the role of this variant in disease conclusively.

NM_000384.3(APOB):c.128C>T (p.Ala43Val)

Genes: APOB (apolipoprotein B; minus strand), LOC106560211 (APOB 5' regulatory region; plus strand). Cytogenetic location: 2p24.1.
Variant type: single nucleotide variant.
Coding change: c.128C>T on transcript NM_000384.3 (MANE Select); coding-DNA position 128, C replaced by T.
Protein change: p.Ala43Val; replaces alanine 43 with valine.
Molecular consequence: missense variant.
Genome position (GRCh38, 1-based): chr2:21,042,470, G>A on the plus strand (C>T on the coding strand, the complement: APOB is on the minus strand). VCF-style: chr2-21042470-G-A. GRCh37 (hg19) VCF-style: chr2-21265342-G-A.
Other names: short protein forms A43V.
Identifiers: ClinVar variation 924103 (VCV000924103.3), dbSNP rs780841518, ClinGen allele CA345965285.
Genomic context (GRCh38, chr2:21,042,470, plus strand): 5'-CCACTGGAACTCTCAGCCTCATAGTTGTATGTGTACTTCCGGAGGTGCTTGAATCGGGTC[G>A]CATCTTCTAACGTGGGGAGAAATACGTCAGCCACATAGCAGAAATAGCTCTCCCAAGGAC-3'
Protein context (NP_000375.3, residues 33-53): ENVSLVCPKD[Ala43Val]TRFKHLRKYT